The following is an entry in ClinVar:

ClinVar aggregate classification (germline): Uncertain significance (1 of 4 stars; one submission).

Allele frequency attached by ClinVar (database versions not stated): ExAC 0.00001; TOPMed 0.00004; gnomAD 0.00005; gnomAD exomes 0.00007.
gnomAD v4.1: 108 of 1,613,736 alleles (0.0067%); highest among the groups gnomAD compares: Non-Finnish European, 0.0088%; no homozygotes.

Submission:

Labcorp Genetics (formerly Invitae), Labcorp
Classification: Uncertain significance. Last evaluated: 2025-12-06. Review status: criteria provided, single submitter. Criteria: Invitae Variant Classification Sherloc (09022015). Collection method: clinical testing. Allele origin: germline.
Comment: This sequence change replaces alanine, which is neutral and non-polar, with glycine, which is neutral and non-polar, at codon 731 of the RFWD3 protein (p.Ala731Gly). This variant is present in population databases (rs756889031, gnomAD 0.005%). This variant has not been reported in the literature in individuals affected with RFWD3-related conditions. ClinVar contains an entry for this variant (Variation ID: 2180964). An algorithm developed to predict the effect of missense changes on protein structure and function (PolyPhen-2) suggests that this variant is likely to be disruptive. In summary, the available evidence is currently insufficient to determine the role of this variant in disease. Therefore, it has been classified as a Variant of Uncertain Significance.

NM_018124.4(RFWD3):c.2192C>G (p.Ala731Gly)

Gene: RFWD3 (ring finger and WD repeat domain 3; minus strand). Cytogenetic location: 16q23.1.
Variant type: single nucleotide variant.
Coding change: c.2192C>G on transcript NM_018124.4 (MANE Select); coding-DNA position 2192, C replaced by G.
Protein change: p.Ala731Gly; replaces alanine 731 with glycine.
Molecular consequence: missense variant.
Genome position (GRCh38, 1-based): chr16:74,624,061, G>C on the plus strand (C>G on the coding strand, the complement: RFWD3 is on the minus strand). VCF-style: chr16-74624061-G-C. GRCh37 (hg19) VCF-style: chr16-74657959-G-C.
Other names: c.2192C>G, p.Ala731Gly (NM_001370534.1, NM_001370535.1); c.2015C>G, p.Ala672Gly (NM_001370536.1); c.1358C>G, p.Ala453Gly (NM_001370537.1, NM_001370539.1, NM_001370540.1 and 3 more transcripts); short protein forms A453G, A731G, A672G.
Identifiers: ClinVar variation 2180964 (VCV002180964.4), dbSNP rs756889031, ClinGen allele CA8168948.